The following is an entry in ClinVar:

ClinVar aggregate classification (germline): Uncertain significance (1 of 4 stars; one submission).

Conditions:
Niemann-Pick disease, type C1. Also called: NIEMANN-PICK DISEASE, VARIANT TYPE C1; NEUROVISCERAL STORAGE DISEASE WITH VERTICAL SUPRANUCLEAR OPHTHALMOPLEGIA; NIEMANN-PICK DISEASE WITH CHOLESTEROL ESTERIFICATION BLOCK; NIEMANN-PICK DISEASE WITHOUT SPHINGOMYELINASE DEFICIENCY; NIEMANN-PICK DISEASE, CHRONIC NEURONOPATHIC FORM. Identifiers: Orphanet 646, MedGen C3179455, MONDO:0009757, OMIM 257220.

Submission:

Labcorp Genetics (formerly Invitae), Labcorp
Classification: Uncertain significance for Niemann-Pick disease, type C1. Last evaluated: 2019-12-20. Review status: criteria provided, single submitter. Criteria: Invitae Variant Classification Sherloc (09022015). Collection method: clinical testing. Allele origin: germline.
Comment: In summary, the available evidence is currently insufficient to determine the role of this variant in disease. Therefore, it has been classified as a Variant of Uncertain Significance. Algorithms developed to predict the effect of sequence changes on RNA splicing suggest that this variant may create or strengthen a splice site, but this prediction has not been confirmed by published transcriptional studies. Algorithms developed to predict the effect of missense changes on protein structure and function are either unavailable or do not agree on the potential impact of this missense change (SIFT: "Deleterious"; PolyPhen-2: "Benign"; Align-GVGD: "Class C65"). This variant has not been reported in the literature in individuals with NPC1-related conditions. This variant is not present in population databases (ExAC no frequency). This sequence change replaces cysteine with tryptophan at codon 516 of the NPC1 protein (p.Cys516Trp). The cysteine residue is highly conserved and there is a large physicochemical difference between cysteine and tryptophan.

NM_000271.5(NPC1):c.1548C>G (p.Cys516Trp)

Gene: NPC1 (NPC intracellular cholesterol transporter 1; minus strand). Cytogenetic location: 18q11.2.
Variant type: single nucleotide variant.
Coding change: c.1548C>G on transcript NM_000271.5 (MANE Select); coding-DNA position 1548, C replaced by G.
Protein change: p.Cys516Trp; replaces cysteine 516 with tryptophan.
Molecular consequence: missense variant.
Genome position (GRCh38, 1-based): chr18:23,554,763, G>C on the plus strand (C>G on the coding strand, the complement: NPC1 is on the minus strand). VCF-style: chr18-23554763-G-C. GRCh37 (hg19) VCF-style: chr18-21134727-G-C.
Other names: short protein forms C516W.
Identifiers: ClinVar variation 855353 (VCV000855353.10), dbSNP rs763680535, ClinGen allele CA401775236.